The following is an entry in ClinVar:

ClinVar aggregate classification (germline): Uncertain significance (1 of 4 stars; one submission).

Conditions:
Chédiak-Higashi syndrome (CHS). Also called: Chediak-Higashi Syndrome. Identifiers: Orphanet 167, MedGen C0007965, MONDO:0008963, OMIM 214500.

Submission:

Labcorp Genetics (formerly Invitae), Labcorp
Classification: Uncertain significance for Chédiak-Higashi syndrome. Last evaluated: 2022-08-16. Review status: criteria provided, single submitter. Criteria: Invitae Variant Classification Sherloc (09022015). Collection method: clinical testing. Allele origin: germline.
Comment: This sequence change replaces histidine, which is basic and polar, with proline, which is neutral and non-polar, at codon 2566 of the LYST protein (p.His2566Pro). This variant is not present in population databases (gnomAD no frequency). This variant has not been reported in the literature in individuals affected with LYST-related conditions. ClinVar contains an entry for this variant (Variation ID: 1478676). Algorithms developed to predict the effect of missense changes on protein structure and function (SIFT, PolyPhen-2, Align-GVGD) all suggest that this variant is likely to be tolerated. In summary, the available evidence is currently insufficient to determine the role of this variant in disease. Therefore, it has been classified as a Variant of Uncertain Significance.

NM_000081.4(LYST):c.7697A>C (p.His2566Pro)

Gene: LYST (lysosomal trafficking regulator; minus strand). Cytogenetic location: 1q42.3.
Variant type: single nucleotide variant.
Coding change: c.7697A>C on transcript NM_000081.4 (MANE Select); coding-DNA position 7697, A replaced by C.
Protein change: p.His2566Pro; replaces histidine 2566 with proline.
Molecular consequence: missense variant.
Genome position (GRCh38, 1-based): chr1:235,751,293, T>G on the plus strand (A>C on the coding strand, the complement: LYST is on the minus strand). VCF-style: chr1-235751293-T-G. GRCh37 (hg19) VCF-style: chr1-235914593-T-G.
Other names: c.7697A>C, p.His2566Pro (NM_001301365.1); short protein forms H2566P.
Identifiers: ClinVar variation 1478676 (VCV001478676.6), dbSNP rs2527713388, ClinGen allele CA344929606.